The following is an entry in ClinVar:

NM_006214.4(PHYH):c.1010_1012dup (p.Asn337_Leu338insHis)

Gene: PHYH (phytanoyl-CoA 2-hydroxylase; minus strand). Cytogenetic location: 10p13.
Variant type: Duplication.
Coding change: c.1010_1012dup on transcript NM_006214.4 (MANE Select); coding-DNA positions 1010 to 1012, 3 bases duplicated (ATC; older notation c.1010_1012dupATC).
Protein change: p.Asn337_Leu338insHis.
Molecular consequence: inframe insertion.
Genome position (GRCh38, 1-based): chr10:13,278,306-13,278,308, GAT duplicated on the plus strand (ATC on the coding strand, the reverse complement: PHYH is on the minus strand). VCF-style (leftmost placement, unchanged base first): chr10-13278305-A-AGAT. GRCh37 (hg19) VCF-style: chr10-13320305-A-AGAT.
Other names: c.1010_1012dup (NM_006214.3); c.710_712dup, p.Asn237_Leu238insHis (NM_001037537.2, NM_001323080.2); c.1016_1018dup, p.Asn339_Leu340insHis (NM_001323082.2); c.746_748dup, p.Asn249_Leu250insHis (NM_001323083.2); c.716_718dup, p.Asn239_Leu240insHis (NM_001323084.2); c.1010_1012dupATC (NM_006214.3, NM_006214.4).
Identifiers: ClinVar variation 444210 (VCV000444210.61), dbSNP rs566116760, ClinGen allele CA5412169.

ClinVar aggregate classification (germline): Conflicting classifications of pathogenicity. Review status: criteria provided, conflicting classifications (1 of 4 stars). 8 submissions from 8 submitters: Uncertain significance (3); Likely benign (3). 2 of the submissions do not count toward it. Last evaluated 2026-02-13.

Conditions:
Nonsyndromic cleft lip palate.
PHYH-related disorder. Also called: PHYH-related condition.
Optic atrophy. Identifiers: MedGen C0029124, MONDO:0003608, HP:0000648.

Allele frequency attached by ClinVar (database versions not stated): 1000 Genomes Project 30x 0.00078; 1000 Genomes Project 0.00100; gnomAD 0.00161 and 0.00167; TOPMed 0.00187; gnomAD exomes 0.00204 and 0.00218; ESP Exome Variant Server 0.00208; ExAC 0.00213.

Submissions (8):

PreventionGenetics, part of Exact Sciences
Classification: Uncertain significance for PHYH-related condition. Last evaluated: 2026-02-13. Review status: criteria provided, single submitter. Criteria: ACMG Guidelines, 2015. Collection method: clinical testing. Allele origin: germline.
Comment: The PHYH c.1010_1012dupATC variant is predicted to result in an in-frame duplication (p.Asn337_Leu338insHis). This variant was reported in affected and unaffected individuals from a multigenerational family with non-syndromic cleft lip and palate (Aylward et al. 2016. PubMed ID: 27229527, Table 2, Family 46). This variant was also documented as uncertain in a cohort study of inherited retinal and optical nerve disorders (Table S12 in Diñeiro et al. 2020. PubMed ID: 32483926). This variant is reported in 0.29% of alleles in individuals of European (Non-Finnish) descent in gnomAD, including one homozygous observation. Although we suspect that this variant may be benign, at this time, the clinical significance of this variant is uncertain due to the absence of conclusive functional and genetic evidence.

Labcorp Genetics (formerly Invitae), Labcorp
Classification: Likely benign. Last evaluated: 2026-01-28. Review status: criteria provided, single submitter. Criteria: Invitae Variant Classification Sherloc (09022015). Collection method: clinical testing. Allele origin: germline.

Blueprint Genetics
Classification: Likely benign. Last evaluated: 2024-11-19. Review status: criteria provided, single submitter. Criteria: ACMG Guidelines, 2015. Collection method: clinical testing. Allele origin: germline.

Women's Health and Genetics/Laboratory Corporation of America, LabCorp
Classification: Uncertain significance. Last evaluated: 2024-03-01. Review status: criteria provided, single submitter. Criteria: LabCorp Variant Classification Summary - May 2015. Collection method: clinical testing. Allele origin: germline.
Comment: Variant summary: PHYH c.1010_1012dupATC (p.Asn337_Leu338insHis) results in an in-frame insertion that is predicted to insert 1 amino acid into the encoded protein. The variant allele was found at a frequency of 0.002 in 251408 control chromosomes in the gnomAD database, including 1 homozygote. c.1010_1012dupATC has been reported in the literature in individuals affected with retinal disease or nonsyndromic cleft lip and palate without strong evidence of causality (Watson_2014, Aylward_2016, Dieriro_2020). These reports do not provide unequivocal conclusions about association of the variant with Phytanic Acid Storage Disease. To our knowledge, no experimental evidence demonstrating an impact on protein function has been reported. The following publications have been ascertained in the context of this evaluation (PMID: 25133751, 27229527, 32483926). ClinVar contains an entry for this variant (Variation ID: 444210). Based on the evidence outlined above, the variant was classified as uncertain significance.

CeGaT Center for Human Genetics Tuebingen
Classification: Likely benign. Last evaluated: 2023-02-01. Review status: criteria provided, single submitter. Criteria: CeGaT Center For Human Genetics Tuebingen Variant Classification Criteria Version 2. Collection method: clinical testing. Allele origin: germline. Affected: yes. Observed: 4 variant alleles.
Comment: PHYH: BS2

Mayo Clinic Laboratories, Mayo Clinic
Classification: Uncertain significance. Last evaluated: 2022-01-07. Review status: criteria provided, single submitter. Criteria: ACMG Guidelines, 2015. Collection method: clinical testing. Allele origin: germline.

Institute of Human Genetics, Univ. Regensburg, Univ. Regensburg
Classification: Uncertain significance for Optic atrophy. Last evaluated: 2023-01-01. Review status: no assertion criteria provided. Criteria: ACMG Guidelines, 2015. Collection method: clinical testing. Allele origin: germline. Affected: yes. Not counted in ClinVar's aggregate classification.

University of Washington Center for Mendelian Genomics, University of Washington
Classification: Likely pathogenic for Nonsyndromic cleft lip palate. Last evaluated: 2016-03-27. Review status: no assertion criteria provided. Collection method: research. Allele origin: inherited. Affected: yes. Observed: 2 heterozygotes. Not counted in ClinVar's aggregate classification.

Literature cited by the submitters: PubMed 25133751 (cited by Women's Health and Genetics/Laboratory Corporation of America, LabCorp); PubMed 32483926 (cited by Women's Health and Genetics/Laboratory Corporation of America, LabCorp); PubMed 27229527 (cited by Women's Health and Genetics/Laboratory Corporation of America, LabCorp and University of Washington Center for Mendelian Genomics, University of Washington).